The following is an entry in ClinVar:

ClinVar aggregate classification (germline): Pathogenic (1 of 4 stars; one submission).

Submission:

Labcorp Genetics (formerly Invitae), Labcorp
Classification: Pathogenic. Last evaluated: 2024-01-25. Review status: criteria provided, single submitter. Criteria: Invitae Variant Classification Sherloc (09022015). Collection method: clinical testing. Allele origin: germline.
Comment: This variant is a gross deletion of the genomic region encompassing exon(s) 1 of the HPS3 gene, which includes the initiator codon. This deletion extends beyond the assayed region for this gene and therefore may encompass additional genes. It is expected to result in an absent or disrupted protein product. Loss-of-function variants in HPS3 are known to be pathogenic (PMID: 11590544). A similar copy number variant has been observed in individual(s) with Hermansky-Pudlak syndrome (PMID: 11455388). It has also been observed to segregate with disease in related individuals. For these reasons, this variant has been classified as Pathogenic.

Literature cited by the submitters: PubMed 11590544; PubMed 11455388.

NC_000003.11:g.(?_148847511)_(148847747_?)del

Gene: HPS3 (HPS3 biogenesis of lysosomal organelles complex 2 subunit 1; plus strand). Cytogenetic location: 3q24.
Variant type: Deletion.
Identifiers: ClinVar variation 1074573 (VCV001074573.6).